The following is an entry in ClinVar:

NM_000256.3(MYBPC3):c.2950C>T (p.Gln984Ter)

Gene: MYBPC3 (myosin binding protein C3; minus strand). Cytogenetic location: 11p11.2.
Variant type: single nucleotide variant.
Coding change: c.2950C>T on transcript NM_000256.3 (MANE Select); coding-DNA position 2950, C replaced by T.
Protein change: p.Gln984Ter; replaces glutamine 984 with a stop codon.
Molecular consequence: nonsense.
Genome position (GRCh38, 1-based): chr11:47,333,966, G>A on the plus strand (C>T on the coding strand, the complement: MYBPC3 is on the minus strand). VCF-style: chr11-47333966-G-A. GRCh37 (hg19) VCF-style: chr11-47355517-G-A.
Other names: c.2950C>T, p.Gln984Ter (LRG_386t1); short protein forms Q984*.
Identifiers: ClinVar variation 525030 (VCV000525030.8), dbSNP rs1555120651, ClinGen allele CA380315908.

ClinVar aggregate classification (germline): Pathogenic (1 of 4 stars; one submission).

Conditions:
Hypertrophic cardiomyopathy. Also called: HYPERTROPHIC MYOCARDIOPATHY. Identifiers: Orphanet 217569, MedGen C0007194, MeSH D002312, MONDO:0005045, HP:0001639.

Submission:

Labcorp Genetics (formerly Invitae), Labcorp
Classification: Pathogenic for Hypertrophic cardiomyopathy. Last evaluated: 2024-01-29. Review status: criteria provided, single submitter. Criteria: Invitae Variant Classification Sherloc (09022015). Collection method: clinical testing. Allele origin: germline.
Comment: This sequence change creates a premature translational stop signal (p.Gln984*) in the MYBPC3 gene. It is expected to result in an absent or disrupted protein product. Loss-of-function variants in MYBPC3 are known to be pathogenic (PMID: 19574547). This variant is not present in population databases (gnomAD no frequency). This premature translational stop signal has been observed in individual(s) with hypertrophic cardiomyopathy (PMID: 27885498). ClinVar contains an entry for this variant (Variation ID: 525030). For these reasons, this variant has been classified as Pathogenic.

Literature cited by the submitters: PubMed 19574547; PubMed 27885498.